The following is an entry in ClinVar:

ClinVar aggregate classification (germline): Conflicting classifications of pathogenicity. Review status: criteria provided, conflicting classifications (1 of 4 stars). 6 submissions from 6 submitters: Pathogenic (2); Likely pathogenic (3); Uncertain significance (1). Last evaluated 2024-10-29.

Conditions:
Inborn genetic diseases. Identifiers: MedGen C0950123, MeSH D030342.
Marshall-Smith syndrome (MRSHSS). Identifiers: Orphanet 561, MedGen C0265211, MONDO:0011244, OMIM 602535.
Malan overgrowth syndrome (MALNS). Also called: NFIX-Related Malan Syndrome; Sotos syndrome 2; MALAN SYNDROME. Identifiers: Orphanet 420179, MedGen C3553660, MONDO:0013885, OMIM 614753.

Submissions (6):

Labcorp Genetics (formerly Invitae), Labcorp
Classification: Uncertain significance for Malan overgrowth syndrome; Marshall-Smith syndrome. Last evaluated: 2024-10-29. Review status: criteria provided, single submitter. Criteria: Invitae Variant Classification Sherloc (09022015). Collection method: clinical testing. Allele origin: germline.
Comment: This sequence change replaces arginine, which is basic and polar, with cysteine, which is neutral and slightly polar, at codon 129 of the NFIX protein (p.Arg129Cys). This variant is not present in population databases (gnomAD no frequency). This missense change has been observed in individual(s) with clinical features of NFIX-related conditions (PMID: 25356970, 35997807). This variant is also known as c.R121C. ClinVar contains an entry for this variant (Variation ID: 208724). Experimental studies and prediction algorithms are not available or were not evaluated, and the functional significance of this variant is currently unknown. In summary, the available evidence is currently insufficient to determine the role of this variant in disease. Therefore, it has been classified as a Variant of Uncertain Significance.

3billion
Classification: Likely pathogenic for Malan overgrowth syndrome. Last evaluated: 2023-02-23. Review status: criteria provided, single submitter. Criteria: ACMG Guidelines, 2015. Collection method: clinical testing. Allele origin: unknown. Affected: yes.
Comment: The variant is not observed in the gnomAD v2.1.1 dataset. Missense changes are a common disease-causing mechanism. In silico tool predictions suggest damaging effect of the variant on gene or gene product (REVEL: 0.67; 3Cnet: 0.96). Same nucleotide change resulting in same amino acid change has been previously reported as pathogenic/likely pathogenic with strong evidence (ClinVar ID: VCV000208724). A different missense change at the same codon (p.Arg121Pro) has been reported to be associated with NFIX-related disorder (ClinVar ID: VCV000036967 / PMID: 22301465). Therefore, this variant is classified as Likely pathogenic according to the recommendation of ACMG/AMP guideline.

CeGaT Center for Human Genetics Tuebingen
Classification: Pathogenic. Last evaluated: 2020-11-01. Review status: criteria provided, single submitter. Criteria: CeGaT Center For Human Genetics Tuebingen Variant Classification Criteria Version 2. Collection method: clinical testing. Allele origin: germline. Affected: yes. Observed: 1 variant allele.

Johns Hopkins Genomics, Johns Hopkins University
Classification: Likely pathogenic for Marshall-Smith syndrome; Malan overgrowth syndrome. Last evaluated: 2020-03-19. Review status: criteria provided, single submitter. Criteria: ACMG Guidelines, 2015. Collection method: clinical testing. Allele origin: germline.
Comment: This NFIX variant is absent from a large population dataset, and has been reported by a single submitter to ClinVar. A missense variant resulting in a different amino acid substitution at this position (p.Arg121Pro) has also been reported, which was maternally inherited. Three bioinformatic tools queried predict that the p.Arg121Cys substitution would be damaging. The arginine residue at this position is evolutionarily conserved across all species assessed except chimp, which has a proline at this position. Additionally, bioinformatic analysis predicts that this variant would not affect normal exon 2 splicing, although this has not been confirmed experimentally, to our knowledge. This substitution occurs in the N-terminal DNA-binding and dimerization domain of the NFIX protein, where other disease causing variants have been identified. We consider the c.361C>T variant to be likely pathogenic.

Illumina Laboratory Services, Illumina
Classification: Likely pathogenic for Marshall-Smith syndrome. Last evaluated: 2019-01-08. Review status: criteria provided, single submitter. Criteria: ICSLVariantClassificationCriteria RUGD 01 April 2020. Collection method: clinical testing. Allele origin: unknown.
Comment: The NFIX c.385C>T (p.Arg129Cys) variant is a missense variant. A literature search was performed for the gene, cDNA change, and amino acid change. No publications were found through this search. This variant is not reported in the Genome Aggregation Database in a region of good sequence coverage, so the variant is presumed to be rare. Functional studies of this variant have not been conducted, but it is located in the DNA binding domain (Priolo et al. 2018). Based on its rarity, location, and de novo occurrence, the p.Arg129Cys variant is classified as likely pathogenic for Marshall-Smith syndrome.

Ambry Genetics
Classification: Pathogenic for Inborn genetic diseases. Last evaluated: 2013-04-26. Review status: criteria provided, single submitter. Criteria: Ambry Autosomal Dominant and X-Linked criteria (10/2015). Collection method: clinical testing. Allele origin: germline. Observed: 1 variant allele.

Literature cited by the submitters: PubMed 25356970 (cited by Labcorp Genetics (formerly Invitae), Labcorp and Johns Hopkins Genomics, Johns Hopkins University); PubMed 35997807 (cited by Labcorp Genetics (formerly Invitae), Labcorp); PubMed 22301465 (cited by 3billion and Johns Hopkins Genomics, Johns Hopkins University); PubMed 20673863 (cited by Johns Hopkins Genomics, Johns Hopkins University); PubMed 26193383 (cited by Johns Hopkins Genomics, Johns Hopkins University); PubMed 8910820 (cited by Johns Hopkins Genomics, Johns Hopkins University); PubMed 29897170 (cited by Illumina Laboratory Services, Illumina).

NM_001365902.3(NFIX):c.361C>T (p.Arg121Cys)

Gene: NFIX (nuclear factor I X; plus strand). Cytogenetic location: 19p13.13.
Variant type: single nucleotide variant.
Coding change: c.361C>T on transcript NM_001365902.3 (MANE Select); coding-DNA position 361, C replaced by T.
Protein change: p.Arg121Cys; replaces arginine 121 with cysteine.
Molecular consequence: missense variant.
Genome position (GRCh38, 1-based): chr19:13,025,354, C>T. VCF-style: chr19-13025354-C-T. GRCh37 (hg19) VCF-style: chr19-13136168-C-T.
Other names: c.385C>T, p.Arg129Cys (NM_001271043.2); c.337C>T, p.Arg113Cys (NM_001271044.3, NM_001378404.1); c.361C>T, p.Arg121Cys (NM_001365982.2, NM_002501.4); c.220C>T, p.Arg74Cys (NM_001365983.2); c.358C>T, p.Arg120Cys (NM_001365984.2, NM_001365985.2); c.409C>T, p.Arg137Cys (NM_001378405.1); short protein forms R121C, R120C, R113C, R74C, R129C, R137C.
Identifiers: ClinVar variation 208724 (VCV000208724.53), dbSNP rs797044911, ClinGen allele CA204763.
Genomic context (GRCh38, chr19:13,025,354, plus strand): 5'-CCCTGCTGCGTGCTCTCCAACCCCGACCAGAAGGGCAAGATCCGGCGGATTGACTGCCTG[C>T]GCCAGGCTGACAAGGTGTGGCGGCTGGACCTGGTCATGGTGATTTTGTTTAAGGGGATCC-3'
Protein context (NP_001352831.1, residues 111-131): KGKIRRIDCL[Arg121Cys]QADKVWRLDL